The following is an entry in ClinVar:

NM_000168.6(GLI3):c.2944G>A (p.Gly982Arg)

Gene: GLI3 (GLI family zinc finger 3; minus strand). Cytogenetic location: 7p14.1.
Variant type: single nucleotide variant.
Coding change: c.2944G>A on transcript NM_000168.6 (MANE Select); coding-DNA position 2944, G replaced by A.
Protein change: p.Gly982Arg; replaces glycine 982 with arginine.
Molecular consequence: missense variant.
Genome position (GRCh38, 1-based): chr7:41,966,129, C>T on the plus strand (G>A on the coding strand, the complement: GLI3 is on the minus strand). VCF-style: chr7-41966129-C-T. GRCh37 (hg19) VCF-style: chr7-42005727-C-T.
Other names: short protein forms G982R.
Identifiers: ClinVar variation 1379940 (VCV001379940.6), dbSNP rs751382968, ClinGen allele CA4230494.

ClinVar aggregate classification (germline): Uncertain significance (1 of 4 stars; one submission).

Conditions:
Greig cephalopolysyndactyly syndrome (GCPS). Also called: GLI3-Related Greig Cephalopolysyndactyly Syndrome; POLYSYNDACTYLY WITH PECULIAR SKULL SHAPE; Greig syndrome. Identifiers: Orphanet 380, MedGen C0265306, MONDO:0008287, OMIM 175700.
Pallister-Hall syndrome (PHS). Also called: HYPOTHALAMIC HAMARTOBLASTOMA, HYPOPITUITARISM, IMPERFORATE ANUS, AND POSTAXIAL POLYDACTYLY; GLI3-Related Pallister-Hall Syndrome. Identifiers: Orphanet 672, MedGen C0265220, MONDO:0007804, OMIM 146510.

Allele frequency attached by ClinVar (database versions not stated): TOPMed 0.00003.
gnomAD v4.1: 6 of 1,585,276 alleles (0.00038%); highest among the groups gnomAD compares: Admixed American, 0.0069%; no homozygotes.

Submission:

Labcorp Genetics (formerly Invitae), Labcorp
Classification: Uncertain significance for Pallister-Hall syndrome; Greig cephalopolysyndactyly syndrome. Last evaluated: 2023-08-14. Review status: criteria provided, single submitter. Criteria: Invitae Variant Classification Sherloc (09022015). Collection method: clinical testing. Allele origin: germline.
Comment: ClinVar contains an entry for this variant (Variation ID: 1379940). This variant has not been reported in the literature in individuals affected with GLI3-related conditions. The frequency data for this variant in the population databases is considered unreliable, as metrics indicate poor data quality at this position in the gnomAD database. This sequence change replaces glycine, which is neutral and non-polar, with arginine, which is basic and polar, at codon 982 of the GLI3 protein (p.Gly982Arg). Advanced modeling of protein sequence and biophysical properties (such as structural, functional, and spatial information, amino acid conservation, physicochemical variation, residue mobility, and thermodynamic stability) has been performed at Invitae for this missense variant, however the output from this modeling did not meet the statistical confidence thresholds required to predict the impact of this variant on GLI3 protein function. In summary, the available evidence is currently insufficient to determine the role of this variant in disease. Therefore, it has been classified as a Variant of Uncertain Significance.